The following is an entry in ClinVar:

NM_000051.4(ATM):c.3002T>C (p.Leu1001Pro)

Gene: ATM (ATM serine/threonine kinase; plus strand). Cytogenetic location: 11q22.3.
Variant type: single nucleotide variant.
Coding change: c.3002T>C on transcript NM_000051.4 (MANE Select); coding-DNA position 3002, T replaced by C.
Protein change: p.Leu1001Pro; replaces leucine 1001 with proline.
Molecular consequence: missense variant.
Genome position (GRCh38, 1-based): chr11:108,271,331, T>C. VCF-style: chr11-108271331-T-C. GRCh37 (hg19) VCF-style: chr11-108142058-T-C.
Other names: c.3002T>C, p.Leu1001Pro (NM_001351834.2); short protein forms L1001P.
Identifiers: ClinVar variation 4865609 (VCV004865609.1).
Genomic context (GRCh38, chr11:108,271,331, plus strand): 5'-GTCGTGACCAAGATGTTTGTAAAACTATTTTAAACCATGTCCTTCATGTAGTGAAAAACC[T>C]AGGTCAAAGCAATATGGACTCTGAGAACACAAGGGATGCTCAAGGACAGTTTCTTACAGT-3'
Protein context (NP_000042.3, residues 991-1011): LNHVLHVVKN[Leu1001Pro]GQSNMDSENT

ClinVar aggregate classification (germline): Uncertain significance (1 of 4 stars; one submission).

Conditions:
Hereditary cancer-predisposing syndrome. Also called: Neoplastic Syndromes, Hereditary; Tumor predisposition; Hereditary Cancer Syndrome; Hereditary neoplastic syndrome. Identifiers: Orphanet 140162, MedGen C0027672, MeSH D009386, MONDO:0015356.

Submission:

Ambry Genetics
Classification: Uncertain significance for Hereditary cancer-predisposing syndrome. Last evaluated: 2026-04-29. Review status: criteria provided, single submitter. Criteria: Ambry Variant Classification Scheme 2023. Collection method: clinical testing. Allele origin: germline.
Comment: The p.L1001P variant (also known as c.3002T>C), located in coding exon 19 of the ATM gene, results from a T to C substitution at nucleotide position 3002. The leucine at codon 1001 is replaced by proline, an amino acid with similar properties. In an assay testing ATM function, this variant showed a functionally normal result (Lee KS et al. Cell, 2025 Sep;188:5081-5099.e27). This amino acid position is highly conserved in available vertebrate species. In addition, this alteration is predicted to be deleterious by in silico analysis. Based on the available evidence, the clinical significance of this variant remains unclear.

Literature cited by the submitters: PubMed 40580951.